The following is an entry in ClinVar:

ClinVar aggregate classification (germline): Uncertain significance (1 of 4 stars; one submission).

Allele frequency attached by ClinVar (database versions not stated): TOPMed below 0.00001; gnomAD exomes 0.00001 and 0.00002; ExAC 0.00002.

Submission:

Labcorp Genetics (formerly Invitae), Labcorp
Classification: Uncertain significance. Last evaluated: 2021-09-02. Review status: criteria provided, single submitter. Criteria: Invitae Variant Classification Sherloc (09022015). Collection method: clinical testing. Allele origin: germline.
Comment: This sequence change replaces alanine with valine at codon 491 of the TYRP1 protein (p.Ala491Val). The alanine residue is moderately conserved and there is a small physicochemical difference between alanine and valine. This variant is present in population databases (rs756536853, ExAC 0.003%). This variant has not been reported in the literature in individuals affected with TYRP1-related conditions. Algorithms developed to predict the effect of missense changes on protein structure and function (SIFT, PolyPhen-2, Align-GVGD) all suggest that this variant is likely to be tolerated. In summary, the available evidence is currently insufficient to determine the role of this variant in disease. Therefore, it has been classified as a Variant of Uncertain Significance.

NM_000550.3(TYRP1):c.1472C>T (p.Ala491Val)

Genes: LURAP1L-AS1 (LURAP1L antisense RNA 1; minus strand), TYRP1 (tyrosinase related protein 1; plus strand). Cytogenetic location: 9p23.
Variant type: single nucleotide variant.
Coding change: c.1472C>T on transcript NM_000550.3 (MANE Select); coding-DNA position 1472, C replaced by T.
Protein change: p.Ala491Val; replaces alanine 491 with valine.
Molecular consequence: missense variant.
Genome position (GRCh38, 1-based): chr9:12,709,040, C>T. VCF-style: chr9-12709040-C-T. GRCh37 (hg19) VCF-style: chr9-12709040-C-T.
Other names: short protein forms A491V.
Identifiers: ClinVar variation 1397238 (VCV001397238.5), dbSNP rs756536853, ClinGen allele CA4985592.
Genomic context (GRCh38, chr9:12,709,040, plus strand): 5'-GGGAGTTTAGTGTACCTGAGATAATTGCCATAGCAGTAGTTGGCGCTTTGTTACTGGTTG[C>T]ACTCATTTTTGGGACTGCTTCTTATCTGATTCGTGCCAGACGCAGTATGGATGAAGCTAA-3'
Protein context (NP_000541.1, residues 481-501): IAVVGALLLV[Ala491Val]LIFGTASYLI